The following is an entry in ClinVar:

ClinVar aggregate classification (germline): Likely benign (1 of 4 stars; one submission).

Allele frequency attached by ClinVar (database versions not stated): 1000 Genomes Project 0.01198; 1000 Genomes Project 30x 0.01312; gnomAD 0.01446 and 0.01589.
gnomAD v4.1: 1,549 of 107,846 alleles (1.4%); highest among the groups gnomAD compares: African/African-American, 5.8%; 17 homozygotes.

Submission:

GeneDx
Classification: Likely benign. Last evaluated: 2018-06-16. Review status: criteria provided, single submitter. Criteria: GeneDx Variant Classification (06012015). Collection method: clinical testing. Allele origin: germline. Affected: yes.
Comment: This variant is considered likely benign or benign based on one or more of the following criteria: it is a conservative change, it occurs at a poorly conserved position in the protein, it is predicted to be benign by multiple in silico algorithms, and/or has population frequency not consistent with disease.

NM_006393.3(NEBL):c.1671+288T>C

Gene: NEBL (nebulette; minus strand). Cytogenetic location: 10p12.31.
Variant type: single nucleotide variant.
Coding change: c.1671+288T>C on transcript NM_006393.3 (MANE Select); 288 bases into the intron after coding-DNA position 1671, T replaced by C.
Molecular consequence: intron variant.
Genome position (GRCh38, 1-based): chr10:20,830,908, A>G on the plus strand (T>C on the coding strand, the complement: NEBL is on the minus strand). VCF-style: chr10-20830908-A-G. GRCh37 (hg19) VCF-style: chr10-21119837-A-G.
Other names: c.250-17968T>C (NM_001377326.1, NM_001377327.1, NM_001377328.1); c.358-17968T>C (NM_213569.2, NM_001173484.2, NM_001377322.1); c.301-17968T>C (NM_001377324.1); c.292-17968T>C (NM_001377325.1); c.310-17968T>C (NM_001377323.1).
Identifiers: ClinVar variation 673513 (VCV000673513.1), dbSNP rs113640261, ClinGen allele CA204163996.